The following is an entry in ClinVar:

ClinVar aggregate classification (germline): Conflicting classifications of pathogenicity. Review status: criteria provided, conflicting classifications (1 of 4 stars). 2 submissions from 2 submitters: Uncertain significance (1); Likely benign (1). Last evaluated 2025-12-20.

Conditions:
Neuroblastoma, susceptibility to, 3. Also called: ALK-Related Neuroblastic Tumor Susceptibility. Identifiers: Orphanet 635, MedGen C2751681, MONDO:0013083, OMIM 613014.
Hereditary cancer-predisposing syndrome. Also called: Hereditary neoplastic syndrome; Neoplastic Syndromes, Hereditary; Tumor predisposition; Hereditary Cancer Syndrome. Identifiers: Orphanet 140162, MedGen C0027672, MeSH D009386, MONDO:0015356.

Allele frequency attached by ClinVar (database versions not stated): gnomAD 0.00006; gnomAD exomes 0.00001 and 0.00004.
gnomAD v4.1: 52 of 1,537,514 alleles (0.0034%); highest among the groups gnomAD compares: Non-Finnish European, 0.0045%; no homozygotes.

Submissions (2):

Labcorp Genetics (formerly Invitae), Labcorp
Classification: Uncertain significance for Neuroblastoma, susceptibility to, 3. Last evaluated: 2025-12-20. Review status: criteria provided, single submitter. Criteria: Invitae Variant Classification Sherloc (09022015). Collection method: clinical testing. Allele origin: germline.
Comment: This sequence change replaces glycine, which is neutral and non-polar, with arginine, which is basic and polar, at codon 5 of the ALK protein (p.Gly5Arg). The frequency data for this variant in the population databases is considered unreliable, as metrics indicate poor data quality at this position in the gnomAD database. This variant has not been reported in the literature in individuals affected with ALK-related conditions. ClinVar contains an entry for this variant (Variation ID: 470747). An algorithm developed to predict the effect of missense changes on protein structure and function outputs the following: PolyPhen-2: "Benign". The arginine amino acid residue is found in multiple mammalian species, which suggests that this missense change does not adversely affect protein function. In summary, the available evidence is currently insufficient to determine the role of this variant in disease. Therefore, it has been classified as a Variant of Uncertain Significance.

Ambry Genetics
Classification: Likely benign for Hereditary cancer-predisposing syndrome. Last evaluated: 2024-12-09. Review status: criteria provided, single submitter. Criteria: Ambry Variant Classification Scheme 2023. Collection method: clinical testing. Allele origin: germline.

Literature cited by the submitters: PubMed 29641532 (cited by Ambry Genetics).

NM_004304.5(ALK):c.13G>A (p.Gly5Arg)

Gene: ALK (ALK receptor tyrosine kinase; minus strand). Cytogenetic location: 2p23.1.
Variant type: single nucleotide variant.
Coding change: c.13G>A on transcript NM_004304.5 (MANE Select); coding-DNA position 13, G replaced by A.
Protein change: p.Gly5Arg; replaces glycine 5 with arginine.
Molecular consequence: missense variant.
Genome position (GRCh38, 1-based): chr2:29,920,647, C>T on the plus strand (G>A on the coding strand, the complement: ALK is on the minus strand). VCF-style: chr2-29920647-C-T. GRCh37 (hg19) VCF-style: chr2-30143513-C-T.
Other names: short protein forms G5R.
Identifiers: ClinVar variation 470747 (VCV000470747.9), dbSNP rs1272214012, ClinGen allele CA346590852.
Genomic context (GRCh38, chr2:29,920,647, plus strand): 5'-TCCCCATCCCGGAGCCCACAGCTGCCGTGGAAAGCAGCAGCGGCAGGAGCCACAGGAGCC[C>T]GATGGCTCCCATCCCGCCGGAGGAGGCCGTTTACACTGCTCTCCGGGCCCAGCCTCACCC-3'
Protein context (NP_004295.2, residues 1-15): MGAI[Gly5Arg]LLWLLPLLLS